The following is an entry in ClinVar:

ClinVar aggregate classification (germline): Uncertain significance. Review status: criteria provided, multiple submitters, no conflicts (2 of 4 stars). 6 submissions from 6 submitters: Uncertain significance (5). 1 of the submissions does not count toward it. Last evaluated 2025-10-24.

Conditions:
Autosomal recessive limb-girdle muscular dystrophy. Identifiers: Orphanet 102015, MedGen C2931907, MONDO:0015152.
Neuromuscular disease caused by qualitative or quantitative defects of dysferlin. Also called: Dysferlinopathy; Qualitative or quantitative defects of dysferlin. Identifiers: Orphanet 207073, MedGen C2931687, MONDO:0016145.
Autosomal recessive limb-girdle muscular dystrophy type 2B (LGMDR2). Also called: MUSCULAR DYSTROPHY, LIMB-GIRDLE, TYPE 3; Limb-Girdle Muscular Dystrophy Type 2B (LGMD2B); MUSCULAR DYSTROPHY, LIMB-GIRDLE, AUTOSOMAL RECESSIVE 2; Limb-girdle muscular dystrophy, type 2B. Identifiers: Orphanet 268, MedGen C1850889, MONDO:0009676, OMIM 253601.

Allele frequency attached by ClinVar (database versions not stated): gnomAD 0.00004 and 0.00005; TOPMed 0.00006; ESP Exome Variant Server 0.00008.
gnomAD v4.1: 91 of 1,613,960 alleles (0.0056%); highest among the groups gnomAD compares: Middle Eastern, 0.016%; no homozygotes.

Submissions (6):

Myriad Genetics, Inc.
Classification: Uncertain significance for Autosomal recessive limb-girdle muscular dystrophy. Last evaluated: 2025-10-24. Review status: criteria provided, single submitter. Criteria: Myriad Autosomal Dominant, Autosomal Recessive and X-Linked Classification Criteria (2023). Collection method: clinical testing. Allele origin: unknown.
Comment: NM_003494.3(DYSF):c.6058C>T(R2020C) is a missense variant classified as a variant of uncertain significance in the context of dysferlinopathy. R2020C has not been observed in cases with relevant disease. Relevant functional assessments of this variant are not available in the literature. R2020C has been observed in referenced population frequency databases. In summary, there is insufficient evidence to classify NM_003494.3(DYSF):c.6058C>T(R2020C) as pathogenic or benign. Please note: this variant was assessed in the context of healthy population screening.

Labcorp Genetics (formerly Invitae), Labcorp
Classification: Uncertain significance for Neuromuscular disease caused by qualitative or quantitative defects of dysferlin. Last evaluated: 2025-06-23. Review status: criteria provided, single submitter. Criteria: Invitae Variant Classification Sherloc (09022015). Collection method: clinical testing. Allele origin: germline.
Comment: This sequence change replaces arginine, which is basic and polar, with cysteine, which is neutral and slightly polar, at codon 2020 of the DYSF protein (p.Arg2020Cys). This variant is present in population databases (rs370286628, gnomAD 0.005%). This missense change has been observed in individual(s) with limb-girdle muscular dystrophy (internal data). In at least one individual the data is consistent with being in trans (on the opposite chromosome) from a pathogenic variant. ClinVar contains an entry for this variant (Variation ID: 336977). An algorithm developed to predict the effect of missense changes on protein structure and function (PolyPhen-2) suggests that this variant is likely to be disruptive. In summary, the available evidence is currently insufficient to determine the role of this variant in disease. Therefore, it has been classified as a Variant of Uncertain Significance.

GeneDx
Classification: Uncertain significance. Last evaluated: 2024-05-05. Review status: criteria provided, single submitter. Criteria: GeneDx Variant Classification Process June 2021. Collection method: clinical testing. Allele origin: germline. Affected: yes.
Comment: Not observed at significant frequency in large population cohorts (gnomAD); In silico analysis supports that this missense variant has a deleterious effect on protein structure/function; Has not been previously published as pathogenic or benign to our knowledge

Revvity Omics, Revvity
Classification: Uncertain significance. Last evaluated: 2023-04-26. Review status: criteria provided, single submitter. Criteria: ACMG Guidelines, 2015. Collection method: clinical testing. Allele origin: germline.

Illumina Laboratory Services, Illumina
Classification: Uncertain significance for Qualitative or quantitative defects of dysferlin. Last evaluated: 2018-01-12. Review status: criteria provided, single submitter. Criteria: ICSL Variant Classification Criteria 13 December 2019. Collection method: clinical testing. Allele origin: germline.

Natera, Inc.
Classification: Uncertain significance for Limb-girdle muscular dystrophy type 2B. Last evaluated: 2020-02-07. Review status: no assertion criteria provided. Collection method: clinical testing. Allele origin: germline. Not counted in ClinVar's aggregate classification.

NM_001130987.2(DYSF):c.6175C>T (p.Arg2059Cys)

Gene: DYSF (dysferlin; plus strand). Cytogenetic location: 2p13.2.
Variant type: single nucleotide variant.
Coding change: c.6175C>T on transcript NM_001130987.2 (MANE Select); coding-DNA position 6175, C replaced by T.
Protein change: p.Arg2059Cys; replaces arginine 2059 with cysteine.
Molecular consequence: missense variant.
Genome position (GRCh38, 1-based): chr2:71,682,531, C>T. VCF-style: chr2-71682531-C-T. GRCh37 (hg19) VCF-style: chr2-71909661-C-T.
Other names: c.6061C>T, p.Arg2021Cys (NM_001130455.2); c.6016C>T, p.Arg2006Cys (NM_001130976.2); c.6079C>T, p.Arg2027Cys (NM_001130977.2); c.6121C>T, p.Arg2041Cys (NM_001130978.2); c.6151C>T, p.Arg2051Cys (NM_001130979.2); c.6109C>T, p.Arg2037Cys (NM_001130980.2); c.6172C>T, p.Arg2058Cys (NM_001130981.2); c.6154C>T, p.Arg2052Cys (NM_001130982.2); and 5 more; short protein forms R2020C, R2059C, R2007C, R2021C, R2027C, R2006C, R2028C, R2037C.
Identifiers: ClinVar variation 336977 (VCV000336977.14), dbSNP rs370286628, ClinGen allele CA1707637.